The following is an entry in ClinVar:

ClinVar aggregate classification (germline): Likely benign (1 of 4 stars; one submission).

Allele frequency attached by ClinVar (database versions not stated): gnomAD 0.00001.
gnomAD v4.1: 42 of 1,589,190 alleles (0.0026%); highest among the groups gnomAD compares: Admixed American, 0.0067%; no homozygotes.

Submission:

CeGaT Center for Human Genetics Tuebingen
Classification: Likely benign. Last evaluated: 2022-12-01. Review status: criteria provided, single submitter. Criteria: CeGaT Center For Human Genetics Tuebingen Variant Classification Criteria Version 2. Collection method: clinical testing. Allele origin: germline. Affected: yes. Observed: 1 variant allele.
Comment: WDR81: BP4

NM_001163809.2(WDR81):c.5160C>T (p.His1720=)

Gene: WDR81 (WD repeat domain 81; plus strand). Cytogenetic location: 17p13.3.
Variant type: single nucleotide variant.
Coding change: c.5160C>T on transcript NM_001163809.2 (MANE Select); coding-DNA position 5160, C replaced by T.
Protein change: p.His1720=; no amino-acid change (histidine 1720 retained).
Molecular consequence: synonymous variant.
Genome position (GRCh38, 1-based): chr17:1,734,197, C>T. VCF-style: chr17-1734197-C-T. GRCh37 (hg19) VCF-style: chr17-1637491-C-T.
Other names: c.1551C>T, p.His517= (NM_001163673.2); c.1479C>T, p.His493= (NM_001163811.2); c.2007C>T, p.His669= (NM_152348.4).
Identifiers: ClinVar variation 1879355 (VCV001879355.29), dbSNP rs1220618805, ClinGen allele CA497395614.